The following is an entry in ClinVar:

ClinVar aggregate classification (germline): Conflicting classifications of pathogenicity. Review status: criteria provided, conflicting classifications (1 of 4 stars). 7 submissions from 7 submitters: Pathogenic (1); Likely pathogenic (1); Uncertain significance (2); Likely benign (2). 1 of the submissions does not count toward it. Last evaluated 2025-08-18.

Conditions:
Hypogonadotropic hypogonadism 3 with or without anosmia (HH3). Also called: PROKR2-Related GnRH Deficiency (Kallmann Syndrome 3); HYPOGONADOTROPIC HYPOGONADISM 3 WITH ANOSMIA. Identifiers: Orphanet 478, MedGen C3550478, MONDO:0009482, OMIM 244200.

Allele frequency attached by ClinVar (database versions not stated): TOPMed 0.00190; ESP Exome Variant Server 0.00192; 1000 Genomes Project 0.00200; 1000 Genomes Project 30x 0.00203.
gnomAD v4.1: 456 of 1,614,178 alleles (0.028%); highest among the groups gnomAD compares: African/African-American, 0.56%; no homozygotes.

Submissions (7):

Labcorp Genetics (formerly Invitae), Labcorp
Classification: Likely benign. Last evaluated: 2025-08-18. Review status: criteria provided, single submitter. Criteria: Invitae Variant Classification Sherloc (09022015). Collection method: clinical testing. Allele origin: germline.

Women's Health and Genetics/Laboratory Corporation of America, LabCorp
Classification: Likely benign. Last evaluated: 2024-06-12. Review status: criteria provided, single submitter. Criteria: LabCorp Variant Classification Summary - May 2015. Collection method: clinical testing. Allele origin: germline.
Comment: Variant summary: PROKR2 c.253C>G (p.Arg85Gly) results in a non-conservative amino acid change located in the GPCR, rhodopsin-like, 7TM domain (IPR017452) of the encoded protein sequence. Four of five in-silico tools predict a damaging effect of the variant on protein function. The variant allele was found at a frequency of 0.00036 in 251490 control chromosomes, predominantly at a frequency of 0.0053 within the African or African-American subpopulation in the gnomAD database. The observed variant frequency within African or African-American control individuals in the gnomAD database exceeds the estimated maximal expected allele frequency for a pathogenic variant in PROKR2 causing Kallmann Syndrome 3 phenotype. c.253C>G has been reported in the literature in individuals affected with Kallmann Syndrome, Septo-Optic Dysplasia, also in individuals undertaking hereditary cancer testing or self-identified healthy adult cohort, without strong evidence for causality (Sarfati_2010, Raivio_2012, Berg_2013, Rasouly_2019, Shillington_2023). These report(s) do not provide unequivocal conclusions about association of the variant with Kallmann Syndrome 3. At least two publications report experimental evidence evaluating an impact on protein function. The most pronounced variant effect results in >50%-90% of normal signaling activity and expression in HEK29 cells or in vitro (Cox_2018, Raivio_2012). The following publications have been ascertained in the context of this evaluation (PMID: 22995991, 29161432, 22319038, 30476936, 20022991, 37642312). ClinVar contains an entry for this variant (Variation ID: 338864). Based on the evidence outlined above, the variant was classified as likely benign.

Fulgent Genetics
Classification: Uncertain significance for Hypogonadotropic hypogonadism 3 with or without anosmia. Last evaluated: 2024-05-23. Review status: criteria provided, single submitter. Criteria: ACMG Guidelines, 2015. Collection method: clinical testing. Allele origin: germline.

Illumina Laboratory Services, Illumina
Classification: Uncertain significance for Hypogonadotropic hypogonadism 3 with or without anosmia. Last evaluated: 2023-12-04. Review status: criteria provided, single submitter. Criteria: ISL SNV Classification Criteria 03 February 2026. Collection method: clinical testing. Allele origin: unknown.
Comment: The PROKR2 c.253C>G p.(Arg85Gly) missense variant has been reported in a heterozygous state in three individuals with a range of phenotypes relating to congenital idiopathic hypogonadotropic hypogonadism (PMID:22319038;20022991;24031091). The highest allele frequency of this allele in the Genome Aggregation Database is 0.005624 in the African/African American population (version 4.0.0). Functional studies conducted in HEK293 cells demonstrated that this variant results in reduced signaling activity compared to wild-type, however the relevance to disease remains to be established (PMID:36604082). Based on the available evidence, the c.253C>G p.(Arg85Gly) variant is classified as a variant of uncertain significance for hypogonadotropic hypogonadism with or without anosmia.

New York Genome Center
Classification: Likely pathogenic for Hypogonadotropic hypogonadism 3 with or without anosmia. Last evaluated: 2019-05-24. Review status: criteria provided, single submitter. Criteria: NYGC Assertion Criteria 2020. Collection method: clinical testing. Allele origin: germline. Observed: 1 heterozygote. Study: CSER-NYCKidSeq.

GeneDx
Classification: Pathogenic. Last evaluated: 2015-04-23. Review status: criteria provided, single submitter. Criteria: GeneDx Variant Classification (06012015). Collection method: clinical testing. Allele origin: germline. Affected: yes.
Comment: The R85G missense variant in the PROKR2 gene has been reported previously in the heterozygous state inassociation with Kallmann syndrome and related disorders (Sarfati et al., 2010; Raivio et al., 2012). It wasobserved at a low frequency in control individuals in the 1000 Genomes Database and at a low frequency inindividuals of African American ancestry in the NHLBI Exome Sequencing Project. Additionally, multiplevariants have been reported at the R85 residue in the PROKR2 gene (R85C, R85L, R85H) (Stenson, et al.,2009). Therefore, we interpret R85G to be a pathogenic variant.

Biochemical Molecular Genetic Laboratory, King Abdulaziz Medical City
Classification: Likely pathogenic for Hypogonadotropic hypogonadism 3 with or without anosmia. Last evaluated: 2020-05-06. Review status: no assertion criteria provided. Collection method: clinical testing. Allele origin: germline. Affected: yes. Not counted in ClinVar's aggregate classification.

Literature cited by the submitters: PubMed 22995991 (cited by Women's Health and Genetics/Laboratory Corporation of America, LabCorp); PubMed 29161432 (cited by Women's Health and Genetics/Laboratory Corporation of America, LabCorp); PubMed 20022991 (cited by Women's Health and Genetics/Laboratory Corporation of America, LabCorp and Illumina Laboratory Services, Illumina); PubMed 30476936 (cited by Women's Health and Genetics/Laboratory Corporation of America, LabCorp); PubMed 22319038 (cited by Women's Health and Genetics/Laboratory Corporation of America, LabCorp and Illumina Laboratory Services, Illumina); PubMed 37642312 (cited by Women's Health and Genetics/Laboratory Corporation of America, LabCorp); PubMed 24031091 (cited by Illumina Laboratory Services, Illumina); PubMed 36694982 (cited by Illumina Laboratory Services, Illumina).

NM_144773.4(PROKR2):c.253C>G (p.Arg85Gly)

Gene: PROKR2 (prokineticin receptor 2; minus strand). Cytogenetic location: 20p12.3.
Variant type: single nucleotide variant.
Coding change: c.253C>G on transcript NM_144773.4 (MANE Select); coding-DNA position 253, C replaced by G.
Protein change: p.Arg85Gly; replaces arginine 85 with glycine.
Molecular consequence: missense variant.
Genome position (GRCh38, 1-based): chr20:5,314,117, G>C on the plus strand (C>G on the coding strand, the complement: PROKR2 is on the minus strand). VCF-style: chr20-5314117-G-C. GRCh37 (hg19) VCF-style: chr20-5294763-G-C.
Other names: short protein forms R85G.
Identifiers: ClinVar variation 338864 (VCV000338864.19), dbSNP rs141090506, ClinGen allele CA9754396.